The following is an entry in ClinVar:

NM_001605.3(AARS1):c.2567C>T (p.Pro856Leu)

Gene: AARS1 (alanyl-tRNA synthetase 1; minus strand). Cytogenetic location: 16q22.1.
Variant type: single nucleotide variant.
Coding change: c.2567C>T on transcript NM_001605.3 (MANE Select); coding-DNA position 2567, C replaced by T.
Protein change: p.Pro856Leu; replaces proline 856 with leucine.
Molecular consequence: missense variant.
Genome position (GRCh38, 1-based): chr16:70,253,754, G>A on the plus strand (C>T on the coding strand, the complement: AARS1 is on the minus strand). VCF-style: chr16-70253754-G-A. GRCh37 (hg19) VCF-style: chr16-70287657-G-A.
Other names: short protein forms P856L.
Identifiers: ClinVar variation 938205 (VCV000938205.9), dbSNP rs1273114725, ClinGen allele CA396554934.

ClinVar aggregate classification (germline): Uncertain significance (1 of 4 stars; one submission).

Conditions:
Charcot-Marie-Tooth disease type 2. Also called: Charcot-Marie-Tooth type 2. Identifiers: Orphanet 64746, MedGen C0270914, MONDO:0018993.

Allele frequency attached by ClinVar (database versions not stated): gnomAD exomes below 0.00001.
gnomAD v4.1: 2 of 1,614,204 alleles (0.00012%); highest among the groups gnomAD compares: South Asian, 0.0011%; no homozygotes.

Submission:

Labcorp Genetics (formerly Invitae), Labcorp
Classification: Uncertain significance for Charcot-Marie-Tooth disease type 2. Last evaluated: 2025-02-19. Review status: criteria provided, single submitter. Criteria: Invitae Variant Classification Sherloc (09022015). Collection method: clinical testing. Allele origin: germline.
Comment: This sequence change replaces proline, which is neutral and non-polar, with leucine, which is neutral and non-polar, at codon 856 of the AARS protein (p.Pro856Leu). This variant is present in population databases (no rsID available, gnomAD 0.003%). This variant has not been reported in the literature in individuals affected with AARS-related conditions. ClinVar contains an entry for this variant (Variation ID: 938205). Invitae Evidence Modeling of protein sequence and biophysical properties (such as structural, functional, and spatial information, amino acid conservation, physicochemical variation, residue mobility, and thermodynamic stability) indicates that this missense variant is not expected to disrupt AARS protein function with a negative predictive value of 95%. In summary, the available evidence is currently insufficient to determine the role of this variant in disease. Therefore, it has been classified as a Variant of Uncertain Significance.